The following is an entry in ClinVar:

NM_004415.4(DSP):c.6192T>C (p.Asn2064=)

Gene: DSP (desmoplakin; plus strand). Cytogenetic location: 6p24.3.
Variant type: single nucleotide variant.
Coding change: c.6192T>C on transcript NM_004415.4 (MANE Select); coding-DNA position 6192, T replaced by C.
Protein change: p.Asn2064=; no amino-acid change (asparagine 2064 retained).
Molecular consequence: synonymous variant.
Genome position (GRCh38, 1-based): chr6:7,583,454, T>C. VCF-style: chr6-7583454-T-C. GRCh37 (hg19) VCF-style: chr6-7583687-T-C.
Other names: p.N2064N:AAT>AAC; c.4395T>C, p.Asn1465= (NM_001008844.3); c.4863T>C, p.Asn1621= (NM_001319034.2); c.6192T>C (LRG_423t1, NM_004415.3).
Identifiers: ClinVar variation 199845 (VCV000199845.16), dbSNP rs371230455, ClinGen allele CA006766.
Genomic context (GRCh38, chr6:7,583,454, plus strand): 5'-CACAGTCATGCTTCTGGAGGCCCAGGCAGCTACAGGTGGTATAATTGATCCCCATCGGAA[T>C]GAGAAGCTGACTGTCGACAGTGCCATAGCTCGGGACCTCATTGACTTCGATGACCGTCAG-3'
Protein context (NP_004406.2, residues 2054-2074): ATGGIIDPHR[Asn2064=]EKLTVDSAIA

ClinVar aggregate classification (germline): Benign/Likely benign. Review status: criteria provided, multiple submitters, no conflicts (2 of 4 stars). 6 submissions from 6 submitters: Benign (1); Likely benign (5). Last evaluated 2026-01-15.

Conditions:
DSP-related disorder. Also called: DSP-related disorders; DSP-related condition.
Cardiovascular phenotype. Identifiers: MedGen CN230736.
Arrhythmogenic right ventricular dysplasia 8 (ARVD8). Also called: Arrhythmogenic Right Ventricular Dysplasia/Cardiomyopathy 8; ARRHYTHMOGENIC RIGHT VENTRICULAR DYSPLASIA, FAMILIAL, 8; ARRHYTHMOGENIC RIGHT VENTRICULAR CARDIOMYOPATHY 8. Identifiers: MedGen C1843896, MONDO:0011831, OMIM 607450.
Arrhythmogenic cardiomyopathy with wooly hair and keratoderma. Also called: Dilated cardiomyopathy with woolly hair and keratoderma; Arrhythmogenic cardiomyopathy with woolly hair and keratoderma; Carvajal syndrome; PALMOPLANTAR KERATODERMA WITH LEFT VENTRICULAR CARDIOMYOPATHY AND WOOLLY HAIR. Identifiers: Orphanet 65282, MedGen C1854063, MONDO:0011581, OMIM 605676.
Cardiomyopathy (CMYO). Also called: Cardiomyopathies. Identifiers: Orphanet 167848, MedGen C0878544, MONDO:0004994, HP:0001638. Inheritance: Various modes of inheritance.

Allele frequency attached by ClinVar (database versions not stated): gnomAD exomes 0.00001 and 0.00002; ExAC 0.00002; ESP Exome Variant Server 0.00008; TOPMed 0.00012; gnomAD 0.00013 and 0.00014.

Submissions (6):

PreventionGenetics, part of Exact Sciences
Classification: Likely benign for DSP-related condition. Last evaluated: 2026-01-15. Review status: criteria provided, single submitter. Criteria: ACMG Guidelines, 2015. Collection method: clinical testing. Allele origin: germline.
Comment: This variant is classified as likely benign based on ACMG/AMP sequence variant interpretation guidelines (Richards et al. 2015 PMID: 25741868, with internal and published modifications).

Labcorp Genetics (formerly Invitae), Labcorp
Classification: Likely benign for Arrhythmogenic cardiomyopathy with wooly hair and keratoderma; Arrhythmogenic right ventricular dysplasia 8. Last evaluated: 2025-10-21. Review status: criteria provided, single submitter. Criteria: Invitae Variant Classification Sherloc (09022015). Collection method: clinical testing. Allele origin: germline.

All of Us Research Program, National Institutes of Health
Classification: Likely benign for Arrhythmogenic cardiomyopathy with wooly hair and keratoderma. Last evaluated: 2023-12-14. Review status: criteria provided, single submitter. Criteria: ACMG Guidelines, 2015. Collection method: clinical testing. Allele origin: germline. Inheritance: Autosomal dominant inheritance. Observed: 8 variant alleles, 8 heterozygotes.
Comment: This study involves interpretation of variants in research participants for the purpose of population health screening. Participant phenotype was not available at the time of variant classification. Additional details can be found in publication PMID: 35346344, PMCID: PMC8962531

Color Diagnostics, LLC DBA Color Health
Classification: Likely benign for Cardiomyopathy. Last evaluated: 2020-03-26. Review status: criteria provided, single submitter. Criteria: ACMG Guidelines, 2015. Collection method: clinical testing. Allele origin: germline.

Ambry Genetics
Classification: Likely benign for Cardiovascular phenotype. Last evaluated: 2019-01-07. Review status: criteria provided, single submitter. Criteria: Ambry Variant Classification Scheme 2023. Collection method: clinical testing. Allele origin: germline.

GeneDx
Classification: Benign. Last evaluated: 2014-06-26. Review status: criteria provided, single submitter. Criteria: GeneDx Variant Classification (06012015). Collection method: clinical testing. Allele origin: germline. Affected: yes.
Comment: This variant is considered likely benign or benign based on one or more of the following criteria: it is a conservative change, it occurs at a poorly conserved position in the protein, it is predicted to be benign by multiple in silico algorithms, and/or has population frequency not consistent with disease.